The following is an entry in ClinVar:

ClinVar aggregate classification (germline): Uncertain significance (1 of 4 stars; one submission).

Conditions:
Hereditary cancer-predisposing syndrome. Also called: Tumor predisposition; Hereditary neoplastic syndrome; Hereditary Cancer Syndrome; Neoplastic Syndromes, Hereditary. Identifiers: Orphanet 140162, MedGen C0027672, MeSH D009386, MONDO:0015356.

Submission:

Ambry Genetics
Classification: Uncertain significance for Hereditary cancer-predisposing syndrome. Last evaluated: 2023-10-02. Review status: criteria provided, single submitter. Criteria: Ambry Variant Classification Scheme 2023. Collection method: clinical testing. Allele origin: germline.
Comment: The p.E277D variant (also known as c.831G>C), located in coding exon 6 of the NTHL1 gene, results from a G to C substitution at nucleotide position 831. The glutamic acid at codon 277 is replaced by aspartic acid, an amino acid with highly similar properties. This amino acid position is conserved. In addition, the in silico prediction for this alteration is inconclusive. Since supporting evidence is limited at this time, the clinical significance of this alteration remains unclear.

NM_002528.7(NTHL1):c.807G>C (p.Glu269Asp)

Gene: NTHL1 (nth like DNA glycosylase 1; minus strand). Cytogenetic location: 16p13.3.
Variant type: single nucleotide variant.
Coding change: c.807G>C on transcript NM_002528.7 (MANE Select); coding-DNA position 807, G replaced by C.
Protein change: p.Glu269Asp; replaces glutamic acid 269 with aspartic acid.
Molecular consequence: missense variant.
Genome position (GRCh38, 1-based): chr16:2,040,032, C>G on the plus strand (G>C on the coding strand, the complement: NTHL1 is on the minus strand). VCF-style: chr16-2040032-C-G. GRCh37 (hg19) VCF-style: chr16-2090033-C-G.
Other names: c.636G>C, p.Glu212Asp (NM_001318193.2); c.477G>C, p.Glu159Asp (NM_001318194.2); short protein forms E159D, E212D, E269D.
Identifiers: ClinVar variation 3222682 (VCV003222682.1), dbSNP rs1426153929, ClinGen allele CA394287532.
Genomic context (GRCh38, chr16:2,040,032, plus strand): 5'-GCAGCGAGGGTGCACAGGCAGACAGGTCTGCTGGCCGAAGCCCACCAAGAGTCCATTGAT[C>G]TCGTGCCACAGCTCCCTGTGGGGGTGGGGGCTGGGTCAGTGCTGACAGAGGGCGGGCGGG-3'
Protein context (NP_002519.2, residues 259-279): EEWLPRELWH[Glu269Asp]INGLLVGFGQ